The following is an entry in ClinVar:

ClinVar aggregate classification (germline): Uncertain significance. Review status: criteria provided, multiple submitters, no conflicts (2 of 4 stars). 3 submissions from 3 submitters: Uncertain significance (3). Last evaluated 2023-05-28.

Conditions:
Inborn genetic diseases. Identifiers: MedGen C0950123, MeSH D030342.
Developmental and epileptic encephalopathy, 18 (DEE18). Also called: Early infantile epileptic encephalopathy 18. Identifiers: Orphanet 369894, MedGen C3809624, MONDO:0014201, OMIM 615476.

Allele frequency attached by ClinVar (database versions not stated): ExAC 0.00001; TOPMed 0.00001.
gnomAD v4.1: 8 of 1,610,230 alleles (0.0005%); highest among the groups gnomAD compares: Non-Finnish European, 0.00051%; no homozygotes.

Submissions (3):

Ambry Genetics
Classification: Uncertain significance for Inborn genetic diseases. Last evaluated: 2023-05-28. Review status: criteria provided, single submitter. Criteria: Ambry Variant Classification Scheme 2023. Collection method: clinical testing. Allele origin: germline.

Genome-Nilou Lab
Classification: Uncertain significance for Developmental and epileptic encephalopathy, 18. Last evaluated: 2023-04-11. Review status: criteria provided, single submitter. Criteria: ACMG Guidelines, 2015. Collection method: clinical testing. Allele origin: germline. Affected: no.

Labcorp Genetics (formerly Invitae), Labcorp
Classification: Uncertain significance. Last evaluated: 2019-10-28. Review status: criteria provided, single submitter. Criteria: Invitae Variant Classification Sherloc (09022015). Collection method: clinical testing. Allele origin: germline.
Comment: This sequence change replaces methionine with valine at codon 2670 of the SZT2 protein (p.Met2670Val). The methionine residue is highly conserved and there is a small physicochemical difference between methionine and valine. This variant is present in population databases (rs755144394, ExAC 0.02%). This variant has not been reported in the literature in individuals with SZT2-related conditions. Algorithms developed to predict the effect of missense changes on protein structure and function output the following: SIFT: "Tolerated"; PolyPhen-2: "Benign"; Align-GVGD: "Class C0". The valine amino acid residue is found in multiple mammalian species, suggesting that this missense change does not adversely affect protein function. These predictions have not been confirmed by published functional studies and their clinical significance is uncertain. In summary, the available evidence is currently insufficient to determine the role of this variant in disease. Therefore, it has been classified as a Variant of Uncertain Significance.

NM_001365999.1(SZT2):c.8179A>G (p.Met2727Val)

Gene: SZT2 (SZT2 subunit of KICSTOR complex; plus strand). Cytogenetic location: 1p34.2.
Variant type: single nucleotide variant.
Coding change: c.8179A>G on transcript NM_001365999.1 (MANE Select); coding-DNA position 8179, A replaced by G.
Protein change: p.Met2727Val; replaces methionine 2727 with valine.
Molecular consequence: missense variant.
Genome position (GRCh38, 1-based): chr1:43,442,846, A>G. VCF-style: chr1-43442846-A-G. GRCh37 (hg19) VCF-style: chr1-43908517-A-G.
Other names: c.8008A>G, p.Met2670Val (NM_015284.4); short protein forms M2670V, M2727V.
Identifiers: ClinVar variation 971666 (VCV000971666.4), dbSNP rs755144394, ClinGen allele CA810477.